The following is an entry in ClinVar:

ClinVar aggregate classification (germline): Uncertain significance (1 of 4 stars; one submission).

Submission:

GeneDx
Classification: Uncertain significance. Last evaluated: 2026-04-09. Review status: criteria provided, single submitter. Criteria: GeneDx Variant Classification Process June 2021. Collection method: clinical testing. Allele origin: germline.
Comment: Not observed at significant frequency in large population cohorts (gnomAD); In silico analysis suggests that this missense variant does not alter protein structure/function; Has not been previously published as pathogenic or benign to our knowledge

NM_006386.5(DDX17):c.1721A>C (p.Asn574Thr)

Gene: DDX17 (DEAD-box helicase 17; minus strand). Cytogenetic location: 22q13.1.
Variant type: single nucleotide variant.
Coding change: c.1721A>C on transcript NM_006386.5 (MANE Select); coding-DNA position 1721, A replaced by C.
Protein change: p.Asn574Thr; replaces asparagine 574 with threonine.
Molecular consequence: missense variant.
Genome position (GRCh38, 1-based): chr22:38,486,404, T>G on the plus strand (A>C on the coding strand, the complement: DDX17 is on the minus strand). VCF-style: chr22-38486404-T-G. GRCh37 (hg19) VCF-style: chr22-38882409-T-G.
Other names: c.1727A>C, p.Asn576Thr (NM_001098504.2); short protein forms N574T, N576T.
Identifiers: ClinVar variation 5018352 (VCV005018352.1).
Genomic context (GRCh38, chr22:38,486,404, plus strand): 5'-CCATCCTTGACTCCTCGAAGCCTTCGGTCACACTCATCCTGATACATCAGATTGGGATTG[T>G]TGGCTGAAGAAGTGGTCCGGTAACGAGAACGACCACCTAATGGGAAGATACAAGAAGATT-3'
Protein context (NP_006377.2, residues 564-584): RSRYRTTSSA[Asn574Thr]NPNLMYQDEC